The following is an entry in ClinVar:

ClinVar aggregate classification (germline): Likely benign. Review status: criteria provided, multiple submitters, no conflicts (2 of 4 stars). 7 submissions from 7 submitters: Likely benign (7). Last evaluated 2026-01-12.

Conditions:
MYH6-related disorder. Also called: MYH6-Related Disorders; MYH6-related condition.
Cardiovascular phenotype. Identifiers: MedGen CN230736.
Hypertrophic cardiomyopathy 14. Identifiers: MedGen C2750467, MONDO:0013197, OMIM 613251.

Allele frequency attached by ClinVar (database versions not stated): gnomAD exomes 0.00006; ExAC 0.00009; gnomAD 0.00021 and 0.00023; TOPMed 0.00028; ESP Exome Variant Server 0.00031; 1000 Genomes Project 0.00060; 1000 Genomes Project 30x 0.00094.
gnomAD v4.1: 88 of 1,614,188 alleles (0.0055%); highest among the groups gnomAD compares: African/African-American, 0.1%; no homozygotes.

Submissions (7):

Labcorp Genetics (formerly Invitae), Labcorp
Classification: Likely benign for Hypertrophic cardiomyopathy 14. Last evaluated: 2026-01-12. Review status: criteria provided, single submitter. Criteria: Invitae Variant Classification Sherloc (09022015). Collection method: clinical testing. Allele origin: germline.

PreventionGenetics, part of Exact Sciences
Classification: Likely benign for MYH6-related condition. Last evaluated: 2025-08-14. Review status: criteria provided, single submitter. Criteria: ACMG Guidelines, 2015. Collection method: clinical testing. Allele origin: germline.
Comment: This variant is classified as likely benign based on ACMG/AMP sequence variant interpretation guidelines (Richards et al. 2015 PMID: 25741868, with internal and published modifications).

Blueprint Genetics
Classification: Likely benign. Last evaluated: 2024-08-12. Review status: criteria provided, single submitter. Criteria: ACMG Guidelines, 2015. Collection method: clinical testing. Allele origin: germline.

CeGaT Center for Human Genetics Tuebingen
Classification: Likely benign. Last evaluated: 2022-12-01. Review status: criteria provided, single submitter. Criteria: CeGaT Center For Human Genetics Tuebingen Variant Classification Criteria Version 2. Collection method: clinical testing. Allele origin: germline. Affected: yes. Observed: 1 variant allele.
Comment: MYH6: BP4, BP7

GeneDx
Classification: Likely benign. Last evaluated: 2020-12-01. Review status: criteria provided, single submitter. Criteria: GeneDx Variant Classification Process June 2021. Collection method: clinical testing. Allele origin: germline. Affected: yes.

Ambry Genetics
Classification: Likely benign for Cardiovascular phenotype. Last evaluated: 2019-01-07. Review status: criteria provided, single submitter. Criteria: Ambry Variant Classification Scheme 2023. Collection method: clinical testing. Allele origin: germline.

Laboratory for Molecular Medicine, Mass General Brigham Personalized Medicine
Classification: Likely benign. Last evaluated: 2012-03-19. Review status: criteria provided, single submitter. Criteria: LMM Criteria. Collection method: clinical testing. Allele origin: germline. Observed: 2 variant alleles.
Comment: p.Ser613Ser in exon 15 of MYH6: This variant is not expected to have clinical si gnificance because it does not alter an amino acid residue and is not located wi thin the splice consensus sequence. It has been identified in 0.1% (3/3738) of A frican American chromosomes from a broad population by the NHLBI Exome Sequencin g Project (dbSNP rs138984258).

NM_002471.4(MYH6):c.1839C>G (p.Ser613=)

Gene: MYH6 (myosin heavy chain 6; minus strand). Cytogenetic location: 14q11.2.
Variant type: single nucleotide variant.
Coding change: c.1839C>G on transcript NM_002471.4 (MANE Select); coding-DNA position 1839, C replaced by G.
Protein change: p.Ser613=; no amino-acid change (serine 613 retained).
Molecular consequence: synonymous variant.
Genome position (GRCh38, 1-based): chr14:23,398,780, G>C on the plus strand (C>G on the coding strand, the complement: MYH6 is on the minus strand). VCF-style: chr14-23398780-G-C. GRCh37 (hg19) VCF-style: chr14-23867989-G-C.
Identifiers: ClinVar variation 44458 (VCV000044458.44), dbSNP rs138984258, ClinGen allele CA134260.
Genomic context (GRCh38, chr14:23,398,780, plus strand): 5'-CTGCTTACCAGTATCGGCAGTTGCGTAGGAGGAGAAGAGAGTGGCCATGAGCTTGAGGGA[G>C]GACTTCTGGTACAGGGCCACAACAGTCTCGTTGAGAGGATCCTTGTTTTTTTCCAGCCAG-3'
Protein context (NP_002462.2, residues 603-623): NETVVALYQK[Ser613=]SLKLMATLFS